The following is an entry in ClinVar:

ClinVar aggregate classification (germline): Likely benign (0 of 4 stars; one submission).

Conditions:
FSIP2-related disorder. Also called: FSIP2-related condition.

Allele frequency attached by ClinVar (database versions not stated): gnomAD exomes 0.00024; ExAC 0.00042; gnomAD 0.00276; TOPMed 0.00321; 1000 Genomes Project 0.00359; 1000 Genomes Project 30x 0.00375.
gnomAD v4.1: 769 of 1,533,000 alleles (0.05%); highest among the groups gnomAD compares: African/African-American, 0.94%; 6 homozygotes.

Submission:

PreventionGenetics, part of Exact Sciences
Classification: Likely benign for FSIP2-related condition. Last evaluated: 2019-02-20. Review status: no assertion criteria provided. Collection method: clinical testing. Allele origin: germline.
Comment: This variant is classified as likely benign based on ACMG/AMP sequence variant interpretation guidelines (Richards et al. 2015 PMID: 25741868, with internal and published modifications).

NM_173651.4(FSIP2):c.15279A>G (p.Arg5093=)

Gene: FSIP2 (fibrous sheath interacting protein 2; plus strand). Cytogenetic location: 2q32.1.
Variant type: single nucleotide variant.
Coding change: c.15279A>G on transcript NM_173651.4 (MANE Select); coding-DNA position 15279, A replaced by G.
Protein change: p.Arg5093=; no amino-acid change (arginine 5093 retained).
Molecular consequence: synonymous variant.
Genome position (GRCh38, 1-based): chr2:185,804,585, A>G. VCF-style: chr2-185804585-A-G. GRCh37 (hg19) VCF-style: chr2-186669312-A-G.
Identifiers: ClinVar variation 3044826 (VCV003044826.2), dbSNP rs78770430, ClinGen allele CA2017114.